The following is an entry in ClinVar:

ClinVar aggregate classification (germline): Uncertain significance. Review status: criteria provided, multiple submitters, no conflicts (2 of 4 stars). 2 submissions from 2 submitters: Uncertain significance (2). Last evaluated 2024-08-13.

Conditions:
Arrhythmogenic right ventricular cardiomyopathy (ARVD). Also called: Arrhythmogenic right ventricular dysplasia; Arrhythmogenic cardiomyopathy; Arrhythmogenic Right Ventricular Cardiomyopathy (ARVC); Cardiomyopathy, ARVC. Identifiers: Orphanet 247, MedGen C0349788, MeSH D019571, MONDO:0016587. Disease mechanism: loss of function. Inheritance: Various modes of inheritance.
Arrhythmogenic right ventricular dysplasia 9 (ARVD9). Also called: ARRHYTHMOGENIC RIGHT VENTRICULAR DYSPLASIA, FAMILIAL, 9; Arrhythmogenic Right Ventricular Dysplasia/Cardiomyopathy 9. Identifiers: MedGen C1836906, MONDO:0012180, OMIM 609040.

Submissions (2):

All of Us Research Program, National Institutes of Health
Classification: Uncertain significance for Arrhythmogenic right ventricular cardiomyopathy. Last evaluated: 2024-08-13. Review status: criteria provided, single submitter. Criteria: ACMG Guidelines, 2015. Collection method: clinical testing. Allele origin: germline. Inheritance: Autosomal dominant inheritance. Observed: 2 variant alleles, 2 heterozygotes.
Comment: This missense variant replaces alanine with valine at codon 840 of the PKP2 protein. Computational prediction suggests that this variant may not impact protein structure and function (internally defined REVEL score threshold <= 0.5, PMID: 27666373). To our knowledge, functional studies have not been reported for this variant. This variant has been reported in a homozygous individual affected with dilated cardiomyopathy and acute myocarditis (PMID: 28359509). This variant has not been identified in the general population by the Genome Aggregation Database (gnomAD). The available evidence is insufficient to determine the role of this variant in disease conclusively. Therefore, this variant is classified as a Variant of Uncertain Significance.

This study involves interpretation of variants in research participants for the purpose of population health screening. Participant phenotype was not available at the time of variant classification. Additional details can be found in publication PMID: 35346344, PMCID: PMC8962531

Labcorp Genetics (formerly Invitae), Labcorp
Classification: Uncertain significance for Arrhythmogenic right ventricular dysplasia 9. Last evaluated: 2019-08-01. Review status: criteria provided, single submitter. Criteria: Invitae Variant Classification Sherloc (09022015). Collection method: clinical testing. Allele origin: germline.
Comment: In summary, the available evidence is currently insufficient to determine the role of this variant in disease. Therefore, it has been classified as a Variant of Uncertain Significance. Algorithms developed to predict the effect of missense changes on protein structure and function (SIFT, PolyPhen-2, Align-GVGD) all suggest that this variant is likely to be disruptive, but these predictions have not been confirmed by published functional studies and their clinical significance is uncertain. This variant has been observed to be homozygous in an individual affected with acute viral myocarditis (PMID: 28359509). This variant is not present in population databases (ExAC no frequency). This sequence change replaces alanine with valine at codon 840 of the PKP2 protein (p.Ala840Val). The alanine residue is highly conserved and there is a small physicochemical difference between alanine and valine.

Literature cited by the submitters: PubMed 28359509 (cited by All of Us Research Program, National Institutes of Health and Labcorp Genetics (formerly Invitae), Labcorp).

NM_001005242.3(PKP2):c.2387C>T (p.Ala796Val)

Gene: PKP2 (plakophilin 2; minus strand). Cytogenetic location: 12p11.21.
Variant type: single nucleotide variant.
Coding change: c.2387C>T on transcript NM_001005242.3 (MANE Select); coding-DNA position 2387, C replaced by T.
Protein change: p.Ala796Val; replaces alanine 796 with valine.
Molecular consequence: missense variant.
Genome position (GRCh38, 1-based): chr12:32,792,702, G>A on the plus strand (C>T on the coding strand, the complement: PKP2 is on the minus strand). VCF-style: chr12-32792702-G-A. GRCh37 (hg19) VCF-style: chr12-32945636-G-A.
Other names: c.2519C>T, p.Ala840Val (NM_004572.4); short protein forms A840V, A796V.
Identifiers: ClinVar variation 78972 (VCV000078972.11), dbSNP rs267603440, ClinGen allele CA235215229.